The following is an entry in ClinVar:

NM_017534.6(MYH2):c.3151C>T (p.Arg1051Cys)

Genes: MYHAS (myosin heavy chain gene cluster antisense RNA; plus strand), MYH2 (myosin heavy chain 2; minus strand). Cytogenetic location: 17p13.1.
Variant type: single nucleotide variant.
Coding change: c.3151C>T on transcript NM_017534.6 (MANE Select); coding-DNA position 3151, C replaced by T.
Protein change: p.Arg1051Cys; replaces arginine 1051 with cysteine.
Molecular consequence: missense variant.
Genome position (GRCh38, 1-based): chr17:10,529,448, G>A on the plus strand (C>T on the coding strand, the complement: MYH2 is on the minus strand). VCF-style: chr17-10529448-G-A. GRCh37 (hg19) VCF-style: chr17-10432765-G-A.
Other names: c.3151C>T, p.Arg1051Cys (NM_001100112.2); short protein forms R1051C.
Identifiers: ClinVar variation 4752603 (VCV004752603.1).
Genomic context (GRCh38, chr17:10,529,448, plus strand): 5'-ATTCTTGGGCCAACTTCAAGTCACCCTCAAGTTTCCTCTTAGCCCTTTCTAGGTCCATGC[G>A]AAGTTTCTTTTCTTGCTCCAAGGACCCTTCAAGCTAAATATAAATTATGTTGAATCAGAA-3'
Protein context (NP_060004.3, residues 1041-1061): EGSLEQEKKL[Arg1051Cys]MDLERAKRKL

ClinVar aggregate classification (germline): Uncertain significance (1 of 4 stars; one submission).

Conditions:
Myopathy, proximal, and ophthalmoplegia (CMYO6). Also called: MYOPATHY WITH CONGENITAL JOINT CONTRACTURES, OPHTHALMOPLEGIA, AND RIMMED VACUOLES; CONGENITAL MYOPATHY 6 WITH OPHTHALMOPLEGIA; INCLUSION BODY MYOPATHY 3, AUTOSOMAL DOMINANT. Identifiers: Orphanet 363677, Orphanet 79091, MedGen C1854106, MONDO:0011577, OMIM 605637.

gnomAD v4.1: 23 of 1,614,028 alleles (0.0014%); highest among the groups gnomAD compares: Admixed American, 0.0033%; no homozygotes.

Submission:

Labcorp Genetics (formerly Invitae), Labcorp
Classification: Uncertain significance for Myopathy, proximal, and ophthalmoplegia. Last evaluated: 2025-07-27. Review status: criteria provided, single submitter. Criteria: Invitae Variant Classification Sherloc (09022015). Collection method: clinical testing. Allele origin: germline.
Comment: This sequence change replaces arginine, which is basic and polar, with cysteine, which is neutral and slightly polar, at codon 1051 of the MYH2 protein (p.Arg1051Cys). This variant is present in population databases (rs748670485, gnomAD 0.006%). This variant has not been reported in the literature in individuals affected with MYH2-related conditions. Invitae Evidence Modeling of protein sequence and biophysical properties (such as structural, functional, and spatial information, amino acid conservation, physicochemical variation, residue mobility, and thermodynamic stability) indicates that this missense variant is not expected to disrupt MYH2 protein function with a negative predictive value of 80%. In summary, the available evidence is currently insufficient to determine the role of this variant in disease. Therefore, it has been classified as a Variant of Uncertain Significance.